The following is an entry in ClinVar:

ClinVar aggregate classification (germline): Uncertain significance (1 of 4 stars; one submission).

Conditions:
Mitochondrial trifunctional protein deficiency. Identifiers: Orphanet 746, MedGen C1969443, MONDO:0012172.

Allele frequency attached by ClinVar (database versions not stated): gnomAD 0.00001; TOPMed 0.00001; ExAC 0.00002; gnomAD exomes 0.00002 and 0.00004.
gnomAD v4.1: 52 of 1,604,166 alleles (0.0032%); highest among the groups gnomAD compares: Non-Finnish European, 0.0043%; no homozygotes.

Submissions (2):

Labcorp Genetics (formerly Invitae), Labcorp
Classification: Uncertain significance for Mitochondrial trifunctional protein deficiency. Last evaluated: 2024-11-11. Review status: criteria provided, single submitter. Criteria: Invitae Variant Classification Sherloc (09022015). Collection method: clinical testing. Allele origin: germline.
Comment: This sequence change replaces proline, which is neutral and non-polar, with leucine, which is neutral and non-polar, at codon 270 of the HADHB protein (p.Pro270Leu). This variant is present in population databases (rs767202789, gnomAD 0.007%). This variant has not been reported in the literature in individuals affected with HADHB-related conditions. ClinVar contains an entry for this variant (Variation ID: 1440754). An algorithm developed to predict the effect of missense changes on protein structure and function (PolyPhen-2) suggests that this variant is likely to be disruptive. Algorithms developed to predict the effect of sequence changes on RNA splicing suggest that this variant may disrupt the consensus splice site. In summary, the available evidence is currently insufficient to determine the role of this variant in disease. Therefore, it has been classified as a Variant of Uncertain Significance.

Dr. Peter K. Rogan Lab, Western University
No classification provided (evidence only). Condition: Hepatocellular carcinoma. Review status: no classification provided. Collection method: in vitro. Allele origin: not applicable. Functional consequence: retained intron. Not counted in ClinVar's aggregate classification.

NM_000183.3(HADHB):c.809C>T (p.Pro270Leu)

Gene: HADHB (hydroxyacyl-CoA dehydrogenase trifunctional multienzyme complex subunit beta; plus strand). Cytogenetic location: 2p23.3.
Variant type: single nucleotide variant.
Coding change: c.809C>T on transcript NM_000183.3 (MANE Select); coding-DNA position 809, C replaced by T.
Protein change: p.Pro270Leu; replaces proline 270 with leucine.
Molecular consequence: missense variant.
Genome position (GRCh38, 1-based): chr2:26,279,313, C>T. VCF-style: chr2-26279313-C-T. GRCh37 (hg19) VCF-style: chr2-26502181-C-T.
Other names: c.764C>T, p.Pro255Leu (NM_001281512.2); c.743C>T, p.Pro248Leu (NM_001281513.2); short protein forms P248L, P270L, P255L.
Identifiers: ClinVar variation 1440754 (VCV001440754.6), dbSNP rs767202789, ClinGen allele CA1560332.